The following is an entry in ClinVar:

NM_002296.4(LBR):c.326C>T (p.Ala109Val)

Gene: LBR (lamin B receptor; minus strand). Cytogenetic location: 1q42.12.
Variant type: single nucleotide variant.
Coding change: c.326C>T on transcript NM_002296.4 (MANE Select); coding-DNA position 326, C replaced by T.
Protein change: p.Ala109Val; replaces alanine 109 with valine.
Molecular consequence: missense variant.
Genome position (GRCh38, 1-based): chr1:225,422,117, G>A on the plus strand (C>T on the coding strand, the complement: LBR is on the minus strand). VCF-style: chr1-225422117-G-A. GRCh37 (hg19) VCF-style: chr1-225609819-G-A.
Other names: NC_000001.10:g.225609819G>A; c.326C>T, p.Ala109Val (NM_194442.3); short protein forms A109V.
Identifiers: ClinVar variation 4375520 (VCV004375520.2).

ClinVar aggregate classification (germline): Uncertain significance (1 of 4 stars; one submission).

gnomAD v4.1: 23 of 1,613,984 alleles (0.0014%); highest among the groups gnomAD compares: Non-Finnish European, 0.0019%; no homozygotes.

Submissions (2):

Labcorp Genetics (formerly Invitae), Labcorp
Classification: Uncertain significance. Last evaluated: 2025-09-28. Review status: criteria provided, single submitter. Criteria: Invitae Variant Classification Sherloc (09022015). Collection method: clinical testing. Allele origin: germline.
Comment: This sequence change replaces alanine, which is neutral and non-polar, with valine, which is neutral and non-polar, at codon 109 of the LBR protein (p.Ala109Val). This variant is present in population databases (rs568717962, gnomAD 0.004%). This variant has not been reported in the literature in individuals affected with LBR-related conditions. Invitae Evidence Modeling of protein sequence and biophysical properties (such as structural, functional, and spatial information, amino acid conservation, physicochemical variation, residue mobility, and thermodynamic stability) indicates that this missense variant is not expected to disrupt LBR protein function with a negative predictive value of 95%. Algorithms developed to predict the effect of sequence changes on RNA splicing suggest that this variant may disrupt the consensus splice site. In summary, the available evidence is currently insufficient to determine the role of this variant in disease. Therefore, it has been classified as a Variant of Uncertain Significance.

Dr. Peter K. Rogan Lab, Western University
No classification provided (evidence only). Condition: Thyroid cancer, nonmedullary, 1. Review status: no classification provided. Collection method: in vitro. Allele origin: not applicable. Functional consequence: retained intron. Not counted in ClinVar's aggregate classification.